The following is an entry in ClinVar:

NM_005228.5(EGFR):c.1273A>G (p.Ile425Val)

Gene: EGFR (epidermal growth factor receptor; plus strand). Cytogenetic location: 7p11.2.
Variant type: single nucleotide variant.
Coding change: c.1273A>G on transcript NM_005228.5 (MANE Select); coding-DNA position 1273, A replaced by G.
Protein change: p.Ile425Val; replaces isoleucine 425 with valine.
Molecular consequence: missense variant.
Genome position (GRCh38, 1-based): chr7:55,157,728, A>G. VCF-style: chr7-55157728-A-G. GRCh37 (hg19) VCF-style: chr7-55225421-A-G.
Other names: c.1138A>G, p.Ile380Val (NM_001346897.2, NM_001346899.2); c.1273A>G, p.Ile425Val (NM_001346898.2, NM_201282.2, NM_201284.2); c.1114A>G, p.Ile372Val (NM_001346900.2); c.472A>G, p.Ile158Val (NM_001346941.2); short protein forms I425V, I372V, I380V, I158V.
Identifiers: ClinVar variation 839484 (VCV000839484.8), dbSNP rs558565565, ClinGen allele CA158915152.

ClinVar aggregate classification (germline): Uncertain significance. Review status: criteria provided, multiple submitters, no conflicts (2 of 4 stars). 2 submissions from 2 submitters: Uncertain significance (2). Last evaluated 2025-04-28.

Conditions:
Hereditary cancer-predisposing syndrome. Also called: Neoplastic Syndromes, Hereditary; Tumor predisposition; Hereditary neoplastic syndrome; Hereditary Cancer Syndrome. Identifiers: Orphanet 140162, MedGen C0027672, MeSH D009386, MONDO:0015356.
EGFR-related lung cancer (EGFR). Identifiers: MedGen CN130014.

Allele frequency attached by ClinVar (database versions not stated): gnomAD exomes below 0.00001; TOPMed 0.00001.
gnomAD v4.1: 4 of 1,614,214 alleles (0.00025%); highest among the groups gnomAD compares: African/African-American, 0.0027%; no homozygotes.

Submissions (2):

Labcorp Genetics (formerly Invitae), Labcorp
Classification: Uncertain significance for EGFR-related lung cancer. Last evaluated: 2025-04-28. Review status: criteria provided, single submitter. Criteria: Invitae Variant Classification Sherloc (09022015). Collection method: clinical testing. Allele origin: germline.
Comment: This sequence change replaces isoleucine, which is neutral and non-polar, with valine, which is neutral and non-polar, at codon 425 of the EGFR protein (p.Ile425Val). This variant is not present in population databases (gnomAD no frequency). This variant has not been reported in the literature in individuals affected with EGFR-related conditions. ClinVar contains an entry for this variant (Variation ID: 839484). Invitae Evidence Modeling of protein sequence and biophysical properties (such as structural, functional, and spatial information, amino acid conservation, physicochemical variation, residue mobility, and thermodynamic stability) indicates that this missense variant is not expected to disrupt EGFR protein function with a negative predictive value of 80%. In summary, the available evidence is currently insufficient to determine the role of this variant in disease. Therefore, it has been classified as a Variant of Uncertain Significance.

Ambry Genetics
Classification: Uncertain significance for Hereditary cancer-predisposing syndrome. Last evaluated: 2025-02-08. Review status: criteria provided, single submitter. Criteria: Ambry Variant Classification Scheme 2023. Collection method: clinical testing. Allele origin: germline.
Comment: The p.I425V variant (also known as c.1273A>G), located in coding exon 11 of the EGFR gene, results from an A to G substitution at nucleotide position 1273. The isoleucine at codon 425 is replaced by valine, an amino acid with highly similar properties. This amino acid position is conserved. In addition, this alteration is predicted to be tolerated by in silico analysis. Based on the available evidence, the clinical significance of this variant remains unclear.